The following is an entry in ClinVar:

NM_014946.4(SPAST):c.156T>G (p.Tyr52Ter)

Gene: SPAST (spastin; plus strand). Cytogenetic location: 2p22.3.
Variant type: single nucleotide variant.
Coding change: c.156T>G on transcript NM_014946.4 (MANE Select); coding-DNA position 156, T replaced by G.
Protein change: p.Tyr52Ter; replaces tyrosine 52 with a stop codon.
Molecular consequence: nonsense.
Genome position (GRCh38, 1-based): chr2:32,063,987, T>G. VCF-style: chr2-32063987-T-G. GRCh37 (hg19) VCF-style: chr2-32289056-T-G.
Other names: c.156T>G, p.Tyr52Ter (NM_001363823.2, NM_001363875.2, NM_001377959.1 and 1 more transcripts); short protein forms Y52*.
Identifiers: ClinVar variation 536435 (VCV000536435.6), dbSNP rs1553394497, ClinGen allele CA346601502.

ClinVar aggregate classification (germline): Pathogenic (1 of 4 stars; one submission).

Conditions:
Hereditary spastic paraplegia 4. Also called: Spastic Paraplegia 4; Familial spastic paraplegia autosomal dominant 2; Spastic paraplegia 4, autosomal dominant. Identifiers: Orphanet 100985, MedGen C1866855, MONDO:0008438, OMIM 182601.

Submission:

Labcorp Genetics (formerly Invitae), Labcorp
Classification: Pathogenic for Hereditary spastic paraplegia 4. Last evaluated: 2022-08-09. Review status: criteria provided, single submitter. Criteria: Invitae Variant Classification Sherloc (09022015). Collection method: clinical testing. Allele origin: germline.
Comment: For these reasons, this variant has been classified as Pathogenic. Algorithms developed to predict the effect of sequence changes on RNA splicing suggest that this variant may create or strengthen a splice site. ClinVar contains an entry for this variant (Variation ID: 536435). This premature translational stop signal has been observed in individual(s) with SPAST-related conditions (PMID: 30747022). This variant is not present in population databases (gnomAD no frequency). This sequence change creates a premature translational stop signal (p.Tyr52*) in the SPAST gene. It is expected to result in an absent or disrupted protein product. Loss-of-function variants in SPAST are known to be pathogenic (PMID: 20932283).

Literature cited by the submitters: PubMed 30747022; PubMed 20932283.